The following is an entry in ClinVar:

ClinVar aggregate classification (germline): Uncertain significance (1 of 4 stars; one submission).

Allele frequency attached by ClinVar (database versions not stated): gnomAD exomes below 0.00001; TOPMed below 0.00001.
gnomAD v4.1: 5 of 1,610,460 alleles (0.00031%); highest among the groups gnomAD compares: Non-Finnish European, 0.00042%; no homozygotes.

Submission:

Labcorp Genetics (formerly Invitae), Labcorp
Classification: Uncertain significance. Last evaluated: 2022-04-11. Review status: criteria provided, single submitter. Criteria: Invitae Variant Classification Sherloc (09022015). Collection method: clinical testing. Allele origin: germline.
Comment: In summary, the available evidence is currently insufficient to determine the role of this variant in disease. Therefore, it has been classified as a Variant of Uncertain Significance. Algorithms developed to predict the effect of missense changes on protein structure and function are either unavailable or do not agree on the potential impact of this missense change (SIFT: "Not Available"; PolyPhen-2: "Benign"; Align-GVGD: "Not Available"). This variant has not been reported in the literature in individuals affected with IFT88-related conditions. This variant is not present in population databases (gnomAD no frequency). This sequence change replaces tyrosine, which is neutral and polar, with cysteine, which is neutral and slightly polar, at codon 229 of the IFT88 protein (p.Tyr229Cys).

NM_006531.5(IFT88):c.659A>G (p.Tyr220Cys)

Gene: IFT88 (intraflagellar transport 88; plus strand). Cytogenetic location: 13q12.11.
Variant type: single nucleotide variant.
Coding change: c.659A>G on transcript NM_006531.5 (MANE Select); coding-DNA position 659, A replaced by G.
Protein change: p.Tyr220Cys; replaces tyrosine 220 with cysteine.
Molecular consequence: missense variant. On other transcripts: non-coding transcript variant (5).
Genome position (GRCh38, 1-based): chr13:20,598,715, A>G. VCF-style: chr13-20598715-A-G. GRCh37 (hg19) VCF-style: chr13-21172854-A-G.
Other names: c.602A>G, p.Tyr201Cys (NM_001318491.2, NM_001353573.2, NM_001353574.2 and 1 more transcripts); c.686A>G, p.Tyr229Cys (NM_001318493.2, NM_001353565.2, NM_001353566.2 and 6 more transcripts); c.659A>G, p.Tyr220Cys (NM_001353568.2, NM_001353571.2, NM_001353572.2 and 1 more transcripts); c.26A>G, p.Tyr9Cys (NM_001353579.2); short protein forms Y229C, Y9C, Y201C, Y220C.
Identifiers: ClinVar variation 2034239 (VCV002034239.4), dbSNP rs891015277, ClinGen allele CA246522345.